The following is an entry in ClinVar:

ClinVar aggregate classification (germline): Uncertain significance (1 of 4 stars; one submission).

Submission:

Labcorp Genetics (formerly Invitae), Labcorp
Classification: Uncertain significance. Last evaluated: 2021-05-07. Review status: criteria provided, single submitter. Criteria: Invitae Variant Classification Sherloc (09022015). Collection method: clinical testing. Allele origin: germline.
Comment: This variant has not been reported in the literature in individuals with PDE6B-related conditions. Algorithms developed to predict the effect of missense changes on protein structure and function are either unavailable or do not agree on the potential impact of this missense change (SIFT: "Deleterious"; PolyPhen-2: "Probably Damaging"; Align-GVGD: "Class C0"). In summary, the available evidence is currently insufficient to determine the role of this variant in disease. Therefore, it has been classified as a Variant of Uncertain Significance. This variant is not present in population databases (ExAC no frequency). This sequence change replaces methionine with lysine at codon 713 of the PDE6B protein (p.Met713Lys). The methionine residue is highly conserved and there is a moderate physicochemical difference between methionine and lysine.

NM_000283.4(PDE6B):c.2138T>A (p.Met713Lys)

Gene: PDE6B (phosphodiesterase 6B; plus strand). Cytogenetic location: 4p16.3.
Variant type: single nucleotide variant.
Coding change: c.2138T>A on transcript NM_000283.4 (MANE Select); coding-DNA position 2138, T replaced by A.
Protein change: p.Met713Lys; replaces methionine 713 with lysine.
Molecular consequence: missense variant.
Genome position (GRCh38, 1-based): chr4:664,889, T>A. VCF-style: chr4-664889-T-A. GRCh37 (hg19) VCF-style: chr4-658678-T-A.
Other names: c.2138T>A, p.Met713Lys (NM_001145291.2); c.1301T>A, p.Met434Lys (NM_001145292.2, NM_001350154.3, NM_001379246.1 and 1 more transcripts); c.983T>A, p.Met328Lys (NM_001350155.3); short protein forms M434K, M713K, M328K.
Identifiers: ClinVar variation 1486564 (VCV001486564.8), dbSNP rs371322951, ClinGen allele CA355919603.